The following is an entry in ClinVar:

NM_015915.5(ATL1):c.568C>T (p.Leu190Phe)

Gene: ATL1 (atlastin GTPase 1; plus strand). Cytogenetic location: 14q22.1.
Variant type: single nucleotide variant.
Coding change: c.568C>T on transcript NM_015915.5 (MANE Select); coding-DNA position 568, C replaced by T.
Protein change: p.Leu190Phe; replaces leucine 190 with phenylalanine.
Molecular consequence: missense variant.
Genome position (GRCh38, 1-based): chr14:50,593,891, C>T. VCF-style: chr14-50593891-C-T. GRCh37 (hg19) VCF-style: chr14-51060609-C-T.
Other names: c.568C>T, p.Leu190Phe (NM_001127713.1, NM_181598.4); short protein forms L190F.
Identifiers: ClinVar variation 1352053 (VCV001352053.9), dbSNP rs2140208137, ClinGen allele CA389668263.

ClinVar aggregate classification (germline): Uncertain significance. Review status: criteria provided, multiple submitters, no conflicts (2 of 4 stars). 2 submissions from 2 submitters: Uncertain significance (2). Last evaluated 2022-07-11.

Conditions:
Hereditary spastic paraplegia 3A (SPG3A). Also called: Spastic Paraplegia 3A; Spastic paraplegia 3A, autosomal dominant; SPASTIC PARAPLEGIA 3, AUTOSOMAL DOMINANT; FAMILIAL SPASTIC PARAPLEGIA, AUTOSOMAL DOMINANT, 1; SPG3; STRUMPELL DISEASE. Identifiers: Orphanet 100984, MedGen C2931355, MONDO:0008437, OMIM 182600.

Allele frequency attached by ClinVar (database versions not stated): gnomAD exomes below 0.00001.
gnomAD v4.1: 1 of 1,605,150 alleles (0.000062%); highest among the groups gnomAD compares: Non-Finnish European, 0.000085%; no homozygotes.

Submissions (2):

Labcorp Genetics (formerly Invitae), Labcorp
Classification: Uncertain significance for Hereditary spastic paraplegia 3A. Last evaluated: 2022-07-11. Review status: criteria provided, single submitter. Criteria: Invitae Variant Classification Sherloc (09022015). Collection method: clinical testing. Allele origin: germline.
Comment: ClinVar contains an entry for this variant (Variation ID: 1352053). In summary, the available evidence is currently insufficient to determine the role of this variant in disease. Therefore, it has been classified as a Variant of Uncertain Significance. Advanced modeling of protein sequence and biophysical properties (such as structural, functional, and spatial information, amino acid conservation, physicochemical variation, residue mobility, and thermodynamic stability) performed at Invitae indicates that this missense variant is expected to disrupt ATL1 protein function. This variant has not been reported in the literature in individuals affected with ATL1-related conditions. This variant is not present in population databases (gnomAD no frequency). This sequence change replaces leucine, which is neutral and non-polar, with phenylalanine, which is neutral and non-polar, at codon 190 of the ATL1 protein (p.Leu190Phe).

GeneDx
Classification: Uncertain significance. Last evaluated: 2022-03-26. Review status: criteria provided, single submitter. Criteria: GeneDx Variant Classification Process June 2021. Collection method: clinical testing. Allele origin: germline. Affected: yes.
Comment: Not observed at significant frequency in large population cohorts (gnomAD); In silico analysis supports that this missense variant has a deleterious effect on protein structure/function; Has not been previously published as pathogenic or benign to our knowledge